The following is an entry in ClinVar:

NM_145045.5(ODAD3):c.395T>C (p.Ile132Thr)

Gene: ODAD3 (outer dynein arm docking complex subunit 3; minus strand). Cytogenetic location: 19p13.2.
Variant type: single nucleotide variant.
Coding change: c.395T>C on transcript NM_145045.5 (MANE Select); coding-DNA position 395, T replaced by C.
Protein change: p.Ile132Thr; replaces isoleucine 132 with threonine.
Molecular consequence: missense variant. On other transcripts: intron variant (1).
Genome position (GRCh38, 1-based): chr19:11,430,748, A>G on the plus strand (T>C on the coding strand, the complement: ODAD3 is on the minus strand). VCF-style: chr19-11430748-A-G. GRCh37 (hg19) VCF-style: chr19-11541568-A-G.
Other names: c.233T>C, p.Ile78Thr (NM_001302453.1); c.366+151T>C (NM_001302454.2); short protein forms I132T, I78T.
Identifiers: ClinVar variation 1025676 (VCV001025676.8), dbSNP rs1969485600, ClinGen allele CA404126796.

ClinVar aggregate classification (germline): Uncertain significance (1 of 4 stars; one submission).

Conditions:
Primary ciliary dyskinesia 30. Also called: CILIARY DYSKINESIA, PRIMARY, 30, WITH OR WITHOUT SITUS INVERSUS. Identifiers: Orphanet 244, MedGen C4015016, MONDO:0014465, OMIM 616037.

Submission:

Labcorp Genetics (formerly Invitae), Labcorp
Classification: Uncertain significance for Primary ciliary dyskinesia 30. Last evaluated: 2020-07-14. Review status: criteria provided, single submitter. Criteria: Invitae Variant Classification Sherloc (09022015). Collection method: clinical testing. Allele origin: germline.
Comment: This variant has not been reported in the literature in individuals with CCDC151-related conditions. This sequence change replaces isoleucine with threonine at codon 132 of the CCDC151 protein (p.Ile132Thr). The isoleucine residue is moderately conserved and there is a moderate physicochemical difference between isoleucine and threonine. This variant is not present in population databases (ExAC no frequency). Algorithms developed to predict the effect of missense changes on protein structure and function are either unavailable or do not agree on the potential impact of this missense change (SIFT: "Tolerated"; PolyPhen-2: "Possibly Damaging"; Align-GVGD: "Class C0"). In summary, the available evidence is currently insufficient to determine the role of this variant in disease. Therefore, it has been classified as a Variant of Uncertain Significance.